The following is an entry in ClinVar:

NM_025215.6(PUS1):c.781C>T (p.Arg261Cys)

Gene: PUS1 (pseudouridine synthase 1; plus strand). Cytogenetic location: 12q24.33.
Variant type: single nucleotide variant.
Coding change: c.781C>T on transcript NM_025215.6 (MANE Select); coding-DNA position 781, C replaced by T.
Protein change: p.Arg261Cys; replaces arginine 261 with cysteine.
Molecular consequence: missense variant.
Genome position (GRCh38, 1-based): chr12:131,941,528, C>T. VCF-style: chr12-131941528-C-T. GRCh37 (hg19) VCF-style: chr12-132426073-C-T.
Other names: c.697C>T, p.Arg233Cys (NM_001002019.3, NM_001002020.3); c.781C>T (NM_025215.5); short protein forms R233C, R261C.
Identifiers: ClinVar variation 2069249 (VCV002069249.3), dbSNP rs758817383, ClinGen allele CA6884241.
Genomic context (GRCh38, chr12:131,941,528, plus strand): 5'-GGCACGCACAACTTCCACAATTTCACCTCGCAGAAGGGGCCGCAGGATCCCAGTGCCTGC[C>T]GCTACATCCTGGAGATGTACTGCGAGGAACCCTTTGTGCGGGAGGGCCTGGAGTTTGCGG-3'
Protein context (NP_079491.2, residues 251-271): QKGPQDPSAC[Arg261Cys]YILEMYCEEP

ClinVar aggregate classification (germline): Uncertain significance. Review status: criteria provided, multiple submitters, no conflicts (2 of 4 stars). 2 submissions from 2 submitters: Uncertain significance (2). Last evaluated 2023-08-15.

Conditions:
Inborn genetic diseases. Identifiers: MedGen C0950123, MeSH D030342.

Allele frequency attached by ClinVar (database versions not stated): gnomAD 0.00001; TOPMed 0.00001; ExAC 0.00002.

Submissions (2):

Ambry Genetics
Classification: Uncertain significance for Inborn genetic diseases. Last evaluated: 2023-08-15. Review status: criteria provided, single submitter. Criteria: Ambry Variant Classification Scheme 2023. Collection method: clinical testing. Allele origin: germline.

Labcorp Genetics (formerly Invitae), Labcorp
Classification: Uncertain significance. Last evaluated: 2022-03-15. Review status: criteria provided, single submitter. Criteria: Invitae Variant Classification Sherloc (09022015). Collection method: clinical testing. Allele origin: germline.
Comment: This sequence change replaces arginine, which is basic and polar, with cysteine, which is neutral and slightly polar, at codon 261 of the PUS1 protein (p.Arg261Cys). This variant is present in population databases (rs758817383, gnomAD 0.003%). This variant has not been reported in the literature in individuals affected with PUS1-related conditions. Algorithms developed to predict the effect of missense changes on protein structure and function are either unavailable or do not agree on the potential impact of this missense change (SIFT: "Deleterious"; PolyPhen-2: "Probably Damaging"; Align-GVGD: "Class C0"). In summary, the available evidence is currently insufficient to determine the role of this variant in disease. Therefore, it has been classified as a Variant of Uncertain Significance.